The following is an entry in ClinVar:

ClinVar aggregate classification (germline): Likely benign (1 of 4 stars; one submission).

Conditions:
Retinitis pigmentosa (RP). Identifiers: Orphanet 791, MedGen C0035334, MeSH D012174, MONDO:0019200, OMIM 268000. Inheritance: Autosomal dominant, autosomal recessive and X linked inheritance.

Allele frequency attached by ClinVar (database versions not stated): gnomAD exomes 0.00015 and 0.00028; ExAC 0.00019; 1000 Genomes Project 30x 0.00047; 1000 Genomes Project 0.00060; gnomAD 0.00132 and 0.00143; TOPMed 0.00156.

Submission:

Illumina Laboratory Services, Illumina
Classification: Likely benign for Retinitis pigmentosa. Last evaluated: 2018-01-12. Review status: criteria provided, single submitter. Criteria: ICSL Variant Classification Criteria 13 December 2019. Collection method: clinical testing. Allele origin: germline.
Comment: This variant was observed in the ICSL laboratory as part of a predisposition screen in an ostensibly healthy population. It had not been previously curated by ICSL or reported in the Human Gene Mutation Database (HGMD: prior to June 1st, 2018), and was therefore a candidate for classification through an automated scoring system. Utilizing variant allele frequency, disease prevalence and penetrance estimates, and inheritance mode, an automated score was calculated to assess if this variant is too frequent to cause the disease. Based on the score and internal cut-off values, a variant classified as likely benign is not then subjected to further curation. The score for this variant resulted in a classification of likely benign for this disease.

NM_001031710.3(KLHL7):c.*1052T>C

Gene: KLHL7 (kelch like family member 7; plus strand). Cytogenetic location: 7p15.3.
Variant type: single nucleotide variant.
Coding change: c.*1052T>C on transcript NM_001031710.3 (MANE Select); 1052 bases downstream of the stop codon, T replaced by C.
Molecular consequence: 3 prime UTR variant. On other transcripts: non-coding transcript variant (1).
Genome position (GRCh38, 1-based): chr7:23,175,350, T>C. VCF-style: chr7-23175350-T-C. GRCh37 (hg19) VCF-style: chr7-23214969-T-C.
Other names: c.*1052T>C (NM_018846.5).
Identifiers: ClinVar variation 359817 (VCV000359817.5), dbSNP rs572464135, ClinGen allele CA4186735.